The following is an entry in ClinVar:

NM_001148.6(ANK2):c.10657G>A (p.Glu3553Lys)

Gene: ANK2 (ankyrin 2; plus strand). Cytogenetic location: 4q26.
Variant type: single nucleotide variant.
Coding change: c.10657G>A on transcript NM_001148.6 (MANE Select); coding-DNA position 10657, G replaced by A.
Protein change: p.Glu3553Lys; replaces glutamic acid 3553 with lysine.
Molecular consequence: missense variant. On other transcripts: intron variant (68).
Genome position (GRCh38, 1-based): chr4:113,359,275, G>A. VCF-style: chr4-113359275-G-A. GRCh37 (hg19) VCF-style: chr4-114280431-G-A.
Other names: c.10423G>A, p.Glu3475Lys (NM_001386142.1); c.7057G>A, p.Glu2353Lys (NM_001386166.1); c.10798G>A, p.Glu3600Lys (NM_001386174.1); c.10774G>A, p.Glu3592Lys (NM_001386175.1); c.4412-1548G>A (NM_001386186.2, NM_001386148.2); c.4214-1548G>A (NM_001354269.3); c.4292-1548G>A (NM_001386187.2); c.4253-1548G>A (NM_001386147.1); and 35 more; short protein forms E3592K, E2353K, E3475K, E3553K, E3600K.
Identifiers: ClinVar variation 4732492 (VCV004732492.1).

ClinVar aggregate classification (germline): Uncertain significance (1 of 4 stars; one submission).

Conditions:
Long QT syndrome (LQTS). Identifiers: MedGen C0023976, MeSH D008133, MONDO:0002442. Disease mechanism: loss of function. Inheritance: Various modes of inheritance.

gnomAD v4.1: 1 of 1,613,906 alleles (0.000062%); highest among the groups gnomAD compares: Non-Finnish European, 0.000085%; no homozygotes.

Submission:

Labcorp Genetics (formerly Invitae), Labcorp
Classification: Uncertain significance for Long QT syndrome. Last evaluated: 2025-12-03. Review status: criteria provided, single submitter. Criteria: Invitae Variant Classification Sherloc (09022015). Collection method: clinical testing. Allele origin: germline.
Comment: This sequence change replaces glutamic acid, which is acidic and polar, with lysine, which is basic and polar, at codon 3553 of the ANK2 protein (p.Glu3553Lys). This variant is not present in population databases (gnomAD no frequency). This variant has not been reported in the literature in individuals affected with ANK2-related conditions. An algorithm developed to predict the effect of missense changes on protein structure and function (PolyPhen-2) suggests that this variant is likely to be disruptive. In summary, the available evidence is currently insufficient to determine the role of this variant in disease. Therefore, it has been classified as a Variant of Uncertain Significance.